The following is an entry in ClinVar:

NM_194248.3(OTOF):c.2908C>T (p.Arg970Cys)

Gene: OTOF (otoferlin; minus strand). Cytogenetic location: 2p23.3.
Variant type: single nucleotide variant.
Coding change: c.2908C>T on transcript NM_194248.3 (MANE Select); coding-DNA position 2908, C replaced by T.
Protein change: p.Arg970Cys; replaces arginine 970 with cysteine.
Molecular consequence: missense variant.
Genome position (GRCh38, 1-based): chr2:26,475,997, G>A on the plus strand (C>T on the coding strand, the complement: OTOF is on the minus strand). VCF-style: chr2-26475997-G-A. GRCh37 (hg19) VCF-style: chr2-26698865-G-A.
Other names: c.2908C>T, p.Arg970Cys (NM_001287489.2); c.667C>T, p.Arg223Cys (NM_004802.4, NM_194323.3); c.838C>T, p.Arg280Cys (NM_194322.3); short protein forms R970C, R223C, R280C.
Identifiers: ClinVar variation 48209 (VCV000048209.21), dbSNP rs140613217, ClinGen allele CA142832.

ClinVar aggregate classification (germline): Conflicting classifications of pathogenicity. Review status: criteria provided, conflicting classifications (1 of 4 stars). 7 submissions from 7 submitters: Uncertain significance (2); Likely benign (4). 1 of the submissions does not count toward it. Last evaluated 2026-10-15.

Conditions:
OTOF-related disorder. Also called: OTOF-related condition.
Autosomal recessive nonsyndromic hearing loss 9. Also called: Deafness, autosomal recessive 9; NEUROSENSORY NONSYNDROMIC RECESSIVE DEAFNESS 9; AUDITORY NEUROPATHY, AUTOSOMAL RECESSIVE, 1, TEMPERATURE-SENSITIVE; OTOF-Related Hearing Loss. Identifiers: Orphanet 90636, MedGen C1832828, MONDO:0010986, OMIM 601071.

Allele frequency attached by ClinVar (database versions not stated): gnomAD exomes 0.00046 and 0.00079; 1000 Genomes Project 30x 0.00031; ExAC 0.00046; TOPMed 0.00083; ESP Exome Variant Server 0.00077; 1000 Genomes Project 0.00040; gnomAD 0.00075 and 0.00081.

Submissions (7):

GeneDx
Classification: Uncertain significance. Last evaluated: 2026-10-15. Review status: criteria provided, single submitter. Criteria: GeneDx Variant Classification Process June 2021. Collection method: clinical testing. Allele origin: germline.
Comment: Observed in a patient with sensorineural hearing loss in published literature (PMID: 20146813); In silico analysis supports that this missense variant has a deleterious effect on protein structure/function; This variant is associated with the following publications: (PMID: 20146813, 41889064)

Labcorp Genetics (formerly Invitae), Labcorp
Classification: Likely benign. Last evaluated: 2026-02-04. Review status: criteria provided, single submitter. Criteria: Invitae Variant Classification Sherloc (09022015). Collection method: clinical testing. Allele origin: germline.

Athena Diagnostics
Classification: Uncertain significance. Last evaluated: 2024-07-30. Review status: criteria provided, single submitter. Criteria: Athena Diagnostics Criteria. Collection method: clinical testing. Allele origin: unknown.
Comment: Available data are insufficient to determine the clinical significance of the variant at this time. The frequency of this variant in the general population is higher than would generally be expected for pathogenic variants in this gene. Polyphen and MutationTaster predict this amino acid change may be damaging to the protein.

Women's Health and Genetics/Laboratory Corporation of America, LabCorp
Classification: Likely benign. Last evaluated: 2022-03-23. Review status: criteria provided, single submitter. Criteria: LabCorp Variant Classification Summary - May 2015. Collection method: clinical testing. Allele origin: germline.
Comment: Variant summary: OTOF c.2908C>T (p.Arg970Cys) results in a non-conservative amino acid change located in the C2 domain (IPR000008) of the encoded protein sequence. Five of five in-silico tools predict a damaging effect of the variant on protein function The variant allele was found at a frequency of 0.00078 in 152148 control chromosomes, predominantly at a frequency of 0.0026 within the Latino subpopulation in the gnomAD v3 database (genomes data). The observed variant frequency within Latino control individuals in the gnomAD database is approximately 2 fold of the estimated maximal expected allele frequency for a pathogenic variant in OTOF causing Nonsyndromic Hearing Loss And Deafness, Type 9 phenotype (0.0011), strongly suggesting that the variant is a benign polymorphism found primarily in populations of Latino origin. c.2908C>T has been reported in the literature in individuals affected with sensorineural hearing loss (Kothiyal_2010), however this report does not provide unequivocal conclusions about association of the variant with Nonsyndromic Hearing Loss And Deafness, Type 9. To our knowledge, no experimental evidence demonstrating an impact on protein function has been reported. Three ClinVar submitters have assessed the variant since 2014: two have classified the variant as of uncertain significance and one as likely benign. Based on the evidence outlined above, the variant was classified as likely benign.

Illumina Laboratory Services, Illumina
Classification: Likely benign for Autosomal recessive nonsyndromic hearing loss 9. Last evaluated: 2017-04-27. Review status: criteria provided, single submitter. Criteria: ICSL Variant Classification Criteria 13 December 2019. Collection method: clinical testing. Allele origin: germline.
Comment: This variant was observed as part of a predisposition screen in an ostensibly healthy population. A literature search was performed for the gene, cDNA change, and amino acid change (where applicable). Publications were found based on this search. The evidence from the literature, in combination with allele frequency data from public databases where available, was sufficient to determine this variant is unlikely to cause disease. Therefore, this variant is classified as likely benign.

Laboratory for Molecular Medicine, Mass General Brigham Personalized Medicine
Classification: Likely benign. Last evaluated: 2011-09-12. Review status: criteria provided, single submitter. Criteria: LMM Criteria. Collection method: clinical testing. Allele origin: germline. Observed: 3 variant alleles.
Comment: Arg970Cys in exon 24 of OTOF: This variant has been identified in 0.1% (4/4422) of control chromosomes (rs140613217). This variant has also been identified in o ur laboratory in 0.5% (2/339) probands neither of which had a second OTOF varian t. In summary, this data suggests this variant is likely benign.

PreventionGenetics, part of Exact Sciences
Classification: Likely benign for OTOF-related condition. Last evaluated: 2023-09-21. Review status: no assertion criteria provided. Collection method: clinical testing. Allele origin: germline. Not counted in ClinVar's aggregate classification.
Comment: This variant is classified as likely benign based on ACMG/AMP sequence variant interpretation guidelines (Richards et al. 2015 PMID: 25741868, with internal and published modifications).

Literature cited by the submitters: PubMed 20146813 (cited by Athena Diagnostics and Women's Health and Genetics/Laboratory Corporation of America, LabCorp).